The following is an entry in ClinVar:

ClinVar aggregate classification (germline): Pathogenic (1 of 4 stars; one submission).

Conditions:
Biotinidase deficiency. Also called: BTD deficiency; Late-onset biotin-responsive multiple carboxylase deficiency; Biotin deficiency. Identifiers: Orphanet 79241, MedGen C0220754, MONDO:0009665, OMIM 253260.

Submission:

Women's Health and Genetics/Laboratory Corporation of America, LabCorp
Classification: Pathogenic for Biotinidase deficiency. Last evaluated: 2026-01-19. Review status: criteria provided, single submitter. Criteria: LabCorp Variant Classification Summary - May 2015. Collection method: clinical testing. Allele origin: germline.
Comment: Variant summary: BTD c.38_44delinsTCGC (p.Cys13_Cys15delinsPheAla) results in an in-frame deletion-insertion that is predicted to delete 3 amino acids from the protein and also insert 2 amino acids. The variant was absent in 1614178 control chromosomes. To our knowledge, no occurrence of c.38_44delinsTCGC in individuals affected with BTD-related conditions and no experimental evidence demonstrating its impact on protein function have been reported. No submitters have cited clinical-significance assessments for this variant to ClinVar. At-least one missense variant located within the deleted region of this variant has been interally classified as pathogenic. Based on the evidence outlined above, the variant was classified as pathogenic.

NM_001370658.1(BTD):c.38_44delinsTCGC (p.Cys13_Cys15delinsPheAla)

Gene: BTD (biotinidase; plus strand). Cytogenetic location: 3p25.1.
Variant type: Indel.
Coding change: c.38_44delinsTCGC on transcript NM_001370658.1 (MANE Select); coding-DNA positions 38 to 44, GCGGCTG replaced by TCGC.
Protein change: p.Cys13_Cys15delinsPheAla.
Molecular consequence: inframe indel.
Genome position (GRCh38, 1-based): chr3:15,635,477-15,635,483, GCGGCTG replaced by TCGC. VCF-style: chr3-15635477-GCGGCTG-TCGC. GRCh37 (hg19) VCF-style: chr3-15676984-GCGGCTG-TCGC.
Other names: c.38_44delinsTCGC, p.Cys13_Cys15delinsPheAla (NM_001407390.1, NM_001407392.1, NM_001407394.1 and 37 more transcripts).
Identifiers: ClinVar variation 4689281 (VCV004689281.1).